The following is an entry in ClinVar:

ClinVar aggregate classification (germline): Uncertain significance (1 of 4 stars; one submission).

Conditions:
Brugada syndrome. Also called: Sudden unexpected nocturnal death syndrome; Sudden Unexplained Death Syndrome; Sudden Unexplained Nocturnal Death Syndrome (SUNDS); Sudden unexplained nocturnal death syndrome. Identifiers: Orphanet 130, MedGen C1142166, MONDO:0015263.

Allele frequency attached by ClinVar (database versions not stated): gnomAD exomes below 0.00001.
gnomAD v4.1: 1 of 1,614,050 alleles (0.000062%); highest among the groups gnomAD compares: Non-Finnish European, 0.000085%; no homozygotes.

Submission:

Labcorp Genetics (formerly Invitae), Labcorp
Classification: Uncertain significance for Brugada syndrome. Last evaluated: 2022-04-18. Review status: criteria provided, single submitter. Criteria: Invitae Variant Classification Sherloc (09022015). Collection method: clinical testing. Allele origin: germline.
Comment: This sequence change affects codon 167 of the SCN10A mRNA. It is a 'silent' change, meaning that it does not change the encoded amino acid sequence of the SCN10A protein. This variant is not present in population databases (gnomAD no frequency). In summary, the available evidence is currently insufficient to determine the role of this variant in disease. Therefore, it has been classified as a Variant of Uncertain Significance. This variant has not been reported in the literature in individuals affected with SCN10A-related conditions. Algorithms developed to predict the effect of sequence changes on RNA splicing suggest that this variant may disrupt the consensus splice site.

NM_006514.4(SCN10A):c.501A>G (p.Glu167=)

Gene: SCN10A (sodium voltage-gated channel alpha subunit 10; minus strand). Cytogenetic location: 3p22.2.
Variant type: single nucleotide variant.
Coding change: c.501A>G on transcript NM_006514.4 (MANE Select); coding-DNA position 501, A replaced by G.
Protein change: p.Glu167=; no amino-acid change (glutamic acid 167 retained).
Molecular consequence: synonymous variant.
Genome position (GRCh38, 1-based): chr3:38,771,377, T>C on the plus strand (A>G on the coding strand, the complement: SCN10A is on the minus strand). VCF-style: chr3-38771377-T-C. GRCh37 (hg19) VCF-style: chr3-38812868-T-C.
Other names: c.501A>G, p.Glu167= (NM_001293306.2, NM_001293307.2).
Identifiers: ClinVar variation 2085380 (VCV002085380.4), dbSNP rs2470838210, ClinGen allele CA433139638.